The following is an entry in ClinVar:

ClinVar aggregate classification (germline): Likely benign. Review status: criteria provided, multiple submitters, no conflicts (2 of 4 stars). 4 submissions from 4 submitters: Likely benign (3). 1 of the submissions does not count toward it. Last evaluated 2025-05-27.

Conditions:
CLPX-related disorder. Also called: CLPX-related condition.

Allele frequency attached by ClinVar (database versions not stated): ESP Exome Variant Server 0.00008.
gnomAD v4.1: 336 of 1,583,232 alleles (0.021%); highest among the groups gnomAD compares: Middle Eastern, 0.3%; 2 homozygotes.

Submissions (4):

Labcorp Genetics (formerly Invitae), Labcorp
Classification: Likely benign. Last evaluated: 2025-05-27. Review status: criteria provided, single submitter. Criteria: Invitae Variant Classification Sherloc (09022015). Collection method: clinical testing. Allele origin: germline.

Blueprint Genetics
Classification: Likely benign. Last evaluated: 2024-11-07. Review status: criteria provided, single submitter. Criteria: ACMG Guidelines, 2015. Collection method: clinical testing. Allele origin: germline.

CeGaT Center for Human Genetics Tuebingen
Classification: Likely benign. Last evaluated: 2023-03-01. Review status: criteria provided, single submitter. Criteria: CeGaT Center For Human Genetics Tuebingen Variant Classification Criteria Version 2. Collection method: clinical testing. Allele origin: germline. Affected: yes. Observed: 1 variant allele.
Comment: CLPX: BP4, BP7

PreventionGenetics, part of Exact Sciences
Classification: Likely benign for CLPX-related condition. Last evaluated: 2019-06-20. Review status: no assertion criteria provided. Collection method: clinical testing. Allele origin: germline. Not counted in ClinVar's aggregate classification.
Comment: This variant is classified as likely benign based on ACMG/AMP sequence variant interpretation guidelines (Richards et al. 2015 PMID: 25741868, with internal and published modifications).

NM_006660.5(CLPX):c.42C>T (p.Val14=)

Gene: CLPX (caseinolytic mitochondrial matrix peptidase chaperone subunit X; minus strand). Cytogenetic location: 15q22.31.
Variant type: single nucleotide variant.
Coding change: c.42C>T on transcript NM_006660.5 (MANE Select); coding-DNA position 42, C replaced by T.
Protein change: p.Val14=; no amino-acid change (valine 14 retained).
Molecular consequence: synonymous variant. On other transcripts: non-coding transcript variant (1).
Genome position (GRCh38, 1-based): chr15:65,185,112, G>A on the plus strand (C>T on the coding strand, the complement: CLPX is on the minus strand). VCF-style: chr15-65185112-G-A. GRCh37 (hg19) VCF-style: chr15-65477450-G-A.
Other names: c.42C>T (NM_006660.4).
Identifiers: ClinVar variation 2069220 (VCV002069220.30), dbSNP rs369619257, ClinGen allele CA7615025.